The following is an entry in ClinVar:

ClinVar aggregate classification (germline): Uncertain significance (1 of 4 stars; one submission).

Submission:

GeneDx
Classification: Uncertain significance. Last evaluated: 2024-04-21. Review status: criteria provided, single submitter. Criteria: GeneDx Variant Classification Process June 2021. Collection method: clinical testing. Allele origin: germline. Affected: yes.
Comment: Not observed at significant frequency in large population cohorts (gnomAD); In silico analysis supports that this missense variant has a deleterious effect on protein structure/function; Has not been previously published as pathogenic or benign to our knowledge

NM_001658.4(ARF1):c.138T>G (p.Ile46Met)

Genes: ARF1 (ARF GTPase 1; plus strand), LOC126806039 (CDK7 strongly-dependent group 2 enhancer GRCh37_chr1:228284937-228286136; plus strand). Cytogenetic location: 1q42.13.
Variant type: single nucleotide variant.
Coding change: c.138T>G on transcript NM_001658.4 (MANE Select); coding-DNA position 138, T replaced by G.
Protein change: p.Ile46Met; replaces isoleucine 46 with methionine.
Molecular consequence: missense variant.
Genome position (GRCh38, 1-based): chr1:228,097,252, T>G. VCF-style: chr1-228097252-T-G. GRCh37 (hg19) VCF-style: chr1-228284953-T-G.
Other names: c.138T>G, p.Ile46Met (NM_001024226.2, NM_001024227.1, NM_001024228.2); short protein forms I46M.
Identifiers: ClinVar variation 3372818 (VCV003372818.1).
Genomic context (GRCh38, chr1:228,097,252, plus strand): 5'-TGCTGCAGGGAAGACCACGATCCTCTACAAGCTTAAGCTGGGTGAGATCGTGACCACCAT[T>G]CCCACCATAGGTGAGGTGGGGGCCAGCAGGGAGTGGGCTGGGCTGGGCTGGGCCAAGGTA-3'
Protein context (NP_001649.1, residues 36-56): KLKLGEIVTT[Ile46Met]PTIGFNVETV